The following is an entry in ClinVar:

ClinVar aggregate classification (germline): Uncertain significance (1 of 4 stars; one submission).

Conditions:
Candidiasis, familial, 8 (CANDF8). Identifiers: Orphanet 1334, MedGen C3714992, MONDO:0014230, OMIM 615527.

Allele frequency attached by ClinVar (database versions not stated): gnomAD exomes below 0.00001.
gnomAD v4.1: 1 of 1,614,246 alleles (0.000062%); highest among the groups gnomAD compares: Non-Finnish European, 0.000085%; no homozygotes.

Submission:

Labcorp Genetics (formerly Invitae), Labcorp
Classification: Uncertain significance for Candidiasis, familial, 8. Last evaluated: 2022-06-15. Review status: criteria provided, single submitter. Criteria: Invitae Variant Classification Sherloc (09022015). Collection method: clinical testing. Allele origin: germline.
Comment: In summary, the available evidence is currently insufficient to determine the role of this variant in disease. Therefore, it has been classified as a Variant of Uncertain Significance. Algorithms developed to predict the effect of missense changes on protein structure and function output the following: SIFT: "Tolerated"; PolyPhen-2: "Benign"; Align-GVGD: "Class C0". The valine amino acid residue is found in multiple mammalian species, which suggests that this missense change does not adversely affect protein function. This variant has not been reported in the literature in individuals affected with TRAF3IP2-related conditions. This variant is not present in population databases (gnomAD no frequency). This sequence change replaces methionine, which is neutral and non-polar, with valine, which is neutral and non-polar, at codon 42 of the TRAF3IP2 protein (p.Met42Val).

NM_147686.4(TRAF3IP2):c.124A>G (p.Met42Val)

Genes: TRAF3IP2 (TRAF3 interacting protein 2; minus strand), TRAF3IP2-AS1 (TRAF3IP2 antisense RNA 1; plus strand). Cytogenetic location: 6q21.
Variant type: single nucleotide variant.
Coding change: c.124A>G on transcript NM_147686.4 (MANE Select); coding-DNA position 124, A replaced by G.
Protein change: p.Met42Val; replaces methionine 42 with valine.
Molecular consequence: missense variant.
Genome position (GRCh38, 1-based): chr6:111,591,963, T>C on the plus strand (A>G on the coding strand, the complement: TRAF3IP2 is on the minus strand). VCF-style: chr6-111591963-T-C. GRCh37 (hg19) VCF-style: chr6-111913166-T-C.
Other names: c.124A>G, p.Met42Val (NM_001164281.3); c.151A>G, p.Met51Val (NM_147200.3); short protein forms M42V, M51V.
Identifiers: ClinVar variation 1962815 (VCV001962815.5), dbSNP rs2536182935, ClinGen allele CA365370022.
Genomic context (GRCh38, chr6:111,591,963, plus strand): 5'-GAGAAAAGTCTCCGGAGGAATTGTGAAGCATTGTGGGTGCAGACAAGCTGTTGGGTGCCA[T>C]GTTCCTTATATTTGGAGCAGGTGGTTCTGATTCCTCTTCCGGGGAATATTCTGGGATTGG-3'
Protein context (NP_679211.2, residues 32-52): SEPPAPNIRN[Met42Val]APNSLSAPTM